The following is an entry in ClinVar:

ClinVar aggregate classification (germline): Uncertain significance (1 of 4 stars; one submission).

Submission:

GeneDx
Classification: Uncertain significance. Last evaluated: 2019-11-11. Review status: criteria provided, single submitter. Criteria: GeneDx Variant Classification Process June 2021. Collection method: clinical testing. Allele origin: germline. Affected: yes.
Comment: Not observed in large population cohorts (Lek et al., 2016); In silico analysis, which includes protein predictors and evolutionary conservation, supports that this variant does not alter protein structure/function; Has not been previously published as pathogenic or benign to our knowledge

NM_001349338.3(FOXP1):c.963A>T (p.Gln321His)

Gene: FOXP1 (forkhead box P1; minus strand). Cytogenetic location: 3p13.
Variant type: single nucleotide variant.
Coding change: c.963A>T on transcript NM_001349338.3 (MANE Select); coding-DNA position 963, A replaced by T.
Protein change: p.Gln321His; replaces glutamine 321 with histidine.
Molecular consequence: missense variant. On other transcripts: non-coding transcript variant (2).
Genome position (GRCh38, 1-based): chr3:71,015,560, T>A on the plus strand (A>T on the coding strand, the complement: FOXP1 is on the minus strand). VCF-style: chr3-71015560-T-A. GRCh37 (hg19) VCF-style: chr3-71064711-T-A.
Other names: c.963A>T, p.Gln321His (NM_001244808.3, NM_001244810.2, NM_001244814.3 and 3 more transcripts); c.735A>T, p.Gln245His (NM_001244812.3); c.663A>T, p.Gln221His (NM_001244813.3, NM_001244815.2, NM_001349342.3 and 1 more transcripts); c.660A>T, p.Gln220His (NM_001349337.2, NM_001349343.3, NM_001349344.3); c.960A>T, p.Gln320His (NM_001349341.3); short protein forms Q220H, Q221H, Q245H, Q320H, Q321H.
Identifiers: ClinVar variation 1309614 (VCV001309614.2), dbSNP rs900526015, ClinGen allele CA353562242.